The following is an entry in ClinVar:

NM_001384140.1(PCDH15):c.3206A>G (p.Tyr1069Cys)

Gene: PCDH15 (protocadherin related 15; minus strand). Cytogenetic location: 10q21.1.
Variant type: single nucleotide variant.
Coding change: c.3206A>G on transcript NM_001384140.1 (MANE Select); coding-DNA position 3206, A replaced by G.
Protein change: p.Tyr1069Cys; replaces tyrosine 1069 with cysteine.
Molecular consequence: missense variant.
Genome position (GRCh38, 1-based): chr10:53,940,892, T>C on the plus strand (A>G on the coding strand, the complement: PCDH15 is on the minus strand). VCF-style: chr10-53940892-T-C. GRCh37 (hg19) VCF-style: chr10-55700652-T-C.
Other names: c.3221A>G, p.Tyr1074Cys (NM_001142763.2, NM_001142771.2); c.3206A>G, p.Tyr1069Cys (NM_001142764.2, NM_001142766.2, NM_001142770.3 and 4 more transcripts); c.2993A>G, p.Tyr998Cys (NM_001142765.2); c.3095A>G, p.Tyr1032Cys (NM_001142767.2); c.3140A>G, p.Tyr1047Cys (NM_001142768.2, NM_001142773.2, NM_001354404.2); c.3242A>G, p.Tyr1081Cys (NM_001142769.4); c.3227A>G, p.Tyr1076Cys (NM_001354411.2); short protein forms Y1047C, Y1069C, Y1074C, Y1032C, Y1076C, Y1081C, Y998C.
Identifiers: ClinVar variation 846671 (VCV000846671.9), dbSNP rs775952226, ClinGen allele CA5505775.

ClinVar aggregate classification (germline): Uncertain significance. Review status: criteria provided, multiple submitters, no conflicts (2 of 4 stars). 5 submissions from 5 submitters: Uncertain significance (4). 1 of the submissions does not count toward it. Last evaluated 2026-07-20.

Conditions:
PCDH15-related disorder. Also called: PCDH15-related condition; PCDH15-related disorders.
Usher syndrome type 1F (USH1F). Also called: USHER SYNDROME, TYPE IF. Identifiers: Orphanet 231169, Orphanet 886, MedGen C1865885, MONDO:0011186, OMIM 602083.

Allele frequency attached by ClinVar (database versions not stated): ExAC 0.00001; gnomAD exomes 0.00002; gnomAD 0.00005; TOPMed 0.00005.
gnomAD v4.1: 43 of 1,612,896 alleles (0.0027%); highest among the groups gnomAD compares: Admixed American, 0.012%; no homozygotes.

Submissions (5):

PreventionGenetics, part of Exact Sciences
Classification: Uncertain significance for PCDH15-related condition. Last evaluated: 2026-07-20. Review status: criteria provided, single submitter. Criteria: ACMG Guidelines, 2015. Collection method: clinical testing. Allele origin: germline.
Comment: The PCDH15 c.3206A>G variant is predicted to result in the amino acid substitution p.Tyr1069Cys. To our knowledge, this variant has not been reported in the literature. This variant is reported in 0.0085% of alleles in individuals of Latino descent in gnomAD. At this time, the clinical significance of this variant is uncertain due to the absence of conclusive functional and genetic evidence.

GeneDx
Classification: Uncertain significance. Last evaluated: 2024-12-20. Review status: criteria provided, single submitter. Criteria: GeneDx Variant Classification Process June 2021. Collection method: clinical testing. Allele origin: germline. Affected: yes.
Comment: In silico analysis supports that this missense variant has a deleterious effect on protein structure/function; Has not been previously published as pathogenic or benign to our knowledge

Blueprint Genetics
Classification: Uncertain significance. Last evaluated: 2023-09-18. Review status: criteria provided, single submitter. Criteria: ACMG Guidelines, 2015. Collection method: clinical testing. Allele origin: germline.

Labcorp Genetics (formerly Invitae), Labcorp
Classification: Uncertain significance. Last evaluated: 2022-10-25. Review status: criteria provided, single submitter. Criteria: Invitae Variant Classification Sherloc (09022015). Collection method: clinical testing. Allele origin: germline.
Comment: This sequence change replaces tyrosine, which is neutral and polar, with cysteine, which is neutral and slightly polar, at codon 1069 of the PCDH15 protein (p.Tyr1069Cys). This variant is present in population databases (rs775952226, gnomAD 0.004%). This variant has not been reported in the literature in individuals affected with PCDH15-related conditions. ClinVar contains an entry for this variant (Variation ID: 846671). Advanced modeling of protein sequence and biophysical properties (such as structural, functional, and spatial information, amino acid conservation, physicochemical variation, residue mobility, and thermodynamic stability) performed at Invitae indicates that this missense variant is not expected to disrupt PCDH15 protein function. In summary, the available evidence is currently insufficient to determine the role of this variant in disease. Therefore, it has been classified as a Variant of Uncertain Significance.

Natera, Inc.
Classification: Uncertain significance for Usher syndrome type 1F. Last evaluated: 2020-02-26. Review status: no assertion criteria provided. Collection method: clinical testing. Allele origin: germline. Not counted in ClinVar's aggregate classification.